The following is an entry in ClinVar:

NC_000007.14:g.129774757C>A

Gene: MIR96 (microRNA 96; minus strand). Cytogenetic location: 7q32.2.
Variant type: single nucleotide variant.
Molecular consequence: non-coding transcript variant (on NR_029512.1).
Genome position: GRCh38 VCF-style: chr7-129774757-C-A. GRCh37 (hg19) VCF-style: chr7-129414597-C-A.
Identifiers: ClinVar variation 4719192 (VCV004719192.1).

ClinVar aggregate classification (germline): Uncertain significance (1 of 4 stars; one submission).

Submission:

Labcorp Genetics (formerly Invitae), Labcorp
Classification: Uncertain significance. Last evaluated: 2025-05-12. Review status: criteria provided, single submitter. Criteria: Invitae Variant Classification Sherloc (09022015). Collection method: clinical testing. Allele origin: germline.
Comment: This variant occurs in the MIR96 gene, which encodes an RNA molecule that does not result in a protein product. This variant is not present in population databases (gnomAD no frequency). This variant has not been reported in the literature in individuals affected with MIR96-related conditions. Experimental studies and prediction algorithms are not available or were not evaluated, and the functional significance of this variant is currently unknown. In summary, the available evidence is currently insufficient to determine the role of this variant in disease. Therefore, it has been classified as a Variant of Uncertain Significance.